The following is an entry in ClinVar:

NM_021942.6(TRAPPC11):c.3137T>C (p.Val1046Ala)

Gene: TRAPPC11 (trafficking protein particle complex subunit 11; plus strand). Cytogenetic location: 4q35.1.
Variant type: single nucleotide variant.
Coding change: c.3137T>C on transcript NM_021942.6 (MANE Select); coding-DNA position 3137, T replaced by C.
Protein change: p.Val1046Ala; replaces valine 1046 with alanine.
Molecular consequence: missense variant.
Genome position (GRCh38, 1-based): chr4:183,706,888, T>C. VCF-style: chr4-183706888-T-C. GRCh37 (hg19) VCF-style: chr4-184628041-T-C.
Other names: c.3137T>C, p.Val1046Ala (NM_199053.3); short protein forms V1046A.
Identifiers: ClinVar variation 1506376 (VCV001506376.8), dbSNP rs1737100573, ClinGen allele CA358874751.

ClinVar aggregate classification (germline): Uncertain significance (1 of 4 stars; one submission).

Conditions:
Autosomal recessive limb-girdle muscular dystrophy type R18 (LGMDR18). Also called: MUSCULAR DYSTROPHY, LIMB-GIRDLE, AUTOSOMAL RECESSIVE 18; Autosomal recessive limb-girdle muscular dystrophy type 2S; Limb-girdle muscular dystrophy, type 2S. Identifiers: Orphanet 369840, MedGen C4517996, MONDO:0014144, OMIM 615356.

Allele frequency attached by ClinVar (database versions not stated): gnomAD exomes below 0.00001; TOPMed below 0.00001.
gnomAD v4.1: 1 of 1,614,196 alleles (0.000062%); highest among the groups gnomAD compares: Non-Finnish European, 0.000085%; no homozygotes.

Submission:

Labcorp Genetics (formerly Invitae), Labcorp
Classification: Uncertain significance for Autosomal recessive limb-girdle muscular dystrophy type R18. Last evaluated: 2021-05-30. Review status: criteria provided, single submitter. Criteria: Invitae Variant Classification Sherloc (09022015). Collection method: clinical testing. Allele origin: germline.
Comment: In summary, the available evidence is currently insufficient to determine the role of this variant in disease. Therefore, it has been classified as a Variant of Uncertain Significance. Algorithms developed to predict the effect of missense changes on protein structure and function are either unavailable or do not agree on the potential impact of this missense change (SIFT: "Deleterious"; PolyPhen-2: "Benign"; Align-GVGD: "Class C0"). This variant has not been reported in the literature in individuals with TRAPPC11-related conditions. This variant is not present in population databases (ExAC no frequency). This sequence change replaces valine with alanine at codon 1046 of the TRAPPC11 protein (p.Val1046Ala). The valine residue is moderately conserved and there is a small physicochemical difference between valine and alanine.